The following is an entry in ClinVar:

ClinVar aggregate classification (germline): Uncertain significance (1 of 4 stars; one submission).

Conditions:
Hereditary insensitivity to pain with anhidrosis (CIPA). Also called: NEUROPATHY, CONGENITAL SENSORY, WITH ANHIDROSIS; hereditary sensory and autonomic neuropathy type 4; FAMILIAL DYSAUTONOMIA, TYPE II; INSENSITIVITY TO PAIN, CONGENITAL, WITH ANHIDROSIS; HSAN Type IV; NTRK1 Congenital Insensitivity to Pain with Anhidrosis. Identifiers: Orphanet 642, MedGen C0020074, MONDO:0009746, OMIM 256800.

Submission:

Labcorp Genetics (formerly Invitae), Labcorp
Classification: Uncertain significance for Hereditary insensitivity to pain with anhidrosis. Last evaluated: 2021-08-26. Review status: criteria provided, single submitter. Criteria: Invitae Variant Classification Sherloc (09022015). Collection method: clinical testing. Allele origin: germline.
Comment: This sequence change replaces lysine with arginine at codon 500 of the NTRK1 protein (p.Lys500Arg). The lysine residue is highly conserved and there is a small physicochemical difference between lysine and arginine. This variant is not present in population databases (ExAC no frequency). This variant has not been reported in the literature in individuals affected with NTRK1-related conditions. Algorithms developed to predict the effect of missense changes on protein structure and function are either unavailable or do not agree on the potential impact of this missense change (SIFT: "Tolerated"; PolyPhen-2: "Probably Damaging"; Align-GVGD: "Class C0"). Algorithms developed to predict the effect of sequence changes on RNA splicing suggest that this variant may create or strengthen a splice site. In summary, the available evidence is currently insufficient to determine the role of this variant in disease. Therefore, it has been classified as a Variant of Uncertain Significance.

NM_002529.4(NTRK1):c.1517A>G (p.Lys506Arg)

Gene: NTRK1 (neurotrophic receptor tyrosine kinase 1; plus strand). Cytogenetic location: 1q23.1.
Variant type: single nucleotide variant.
Coding change: c.1517A>G on transcript NM_002529.4 (MANE Select); coding-DNA position 1517, A replaced by G.
Protein change: p.Lys506Arg; replaces lysine 506 with arginine.
Molecular consequence: missense variant.
Genome position (GRCh38, 1-based): chr1:156,876,095, A>G. VCF-style: chr1-156876095-A-G. GRCh37 (hg19) VCF-style: chr1-156845887-A-G.
Other names: c.1409A>G, p.Lys470Arg (NM_001007792.1); c.1499A>G, p.Lys500Arg (NM_001012331.2); short protein forms K470R, K506R, K500R.
Identifiers: ClinVar variation 569385 (VCV000569385.6), dbSNP rs1558106092, ClinGen allele CA342937828.